The following is an entry in ClinVar:

ClinVar aggregate classification (germline): Conflicting classifications of pathogenicity. Review status: criteria provided, conflicting classifications (1 of 4 stars). 5 submissions from 5 submitters: Uncertain significance (3); Likely benign (1). 1 of the submissions does not count toward it. Last evaluated 2026-01-28.

Conditions:
Inborn genetic diseases. Identifiers: MedGen C0950123, MeSH D030342.
Carnitine palmitoyltransferase II deficiency. Also called: Carnitine Palmitoyltransferase 2 Deficiency. Identifiers: Orphanet 157, MedGen C0342790, MONDO:0015515.

Allele frequency attached by ClinVar (database versions not stated): gnomAD exomes 0.00001 and 0.00004; ExAC 0.00006; gnomAD 0.00018 and 0.00020; TOPMed 0.00020; ESP Exome Variant Server 0.00023.
gnomAD v4.1: 43 of 1,614,010 alleles (0.0027%); highest among the groups gnomAD compares: African/African-American, 0.055%; no homozygotes.

Submissions (5):

Labcorp Genetics (formerly Invitae), Labcorp
Classification: Likely benign for Carnitine palmitoyltransferase II deficiency. Last evaluated: 2026-01-28. Review status: criteria provided, single submitter. Criteria: Invitae Variant Classification Sherloc (09022015). Collection method: clinical testing. Allele origin: germline.

Dasa
Classification: Uncertain significance. Last evaluated: 2025-08-10. Review status: criteria provided, single submitter. Criteria: DASA Assertion Criteria. Collection method: clinical testing. Allele origin: germline.
Comment: NM_000098.3(CPT2):c.1943T>C (p.Phe648Ser) is a missense variant that results in the substitution of phenylalanine with serine. This variant is rare in population databases. Computational prediction algorithms are consistent with a deleterious effect. The currently available literature and clinical evidence are not sufficient to establish a definitive association between this variant and the reported condition. Therefore, this variant is classified as a variant of uncertain significance.

GeneDx
Classification: Uncertain significance. Last evaluated: 2024-07-16. Review status: criteria provided, single submitter. Criteria: GeneDx Variant Classification Process June 2021. Collection method: clinical testing. Allele origin: germline. Affected: yes.
Comment: In silico analysis supports that this missense variant has a deleterious effect on protein structure/function; Has not been previously published as pathogenic or benign to our knowledge

Ambry Genetics
Classification: Uncertain significance for Inborn genetic diseases. Last evaluated: 2022-02-07. Review status: criteria provided, single submitter. Criteria: Ambry Variant Classification Scheme 2023. Collection method: clinical testing. Allele origin: germline.

Natera, Inc.
Classification: Uncertain significance for Carnitine palmitoyltransferase II deficiency. Last evaluated: 2019-11-11. Review status: no assertion criteria provided. Collection method: clinical testing. Allele origin: germline. Not counted in ClinVar's aggregate classification.

NM_000098.3(CPT2):c.1943T>C (p.Phe648Ser)

Gene: CPT2 (carnitine palmitoyltransferase 2; plus strand). Cytogenetic location: 1p32.3.
Variant type: single nucleotide variant.
Coding change: c.1943T>C on transcript NM_000098.3 (MANE Select); coding-DNA position 1943, T replaced by C.
Protein change: p.Phe648Ser; replaces phenylalanine 648 with serine.
Molecular consequence: missense variant.
Genome position (GRCh38, 1-based): chr1:53,213,561, T>C. VCF-style: chr1-53213561-T-C. GRCh37 (hg19) VCF-style: chr1-53679233-T-C.
Other names: c.1874T>C, p.Phe625Ser (NM_001330589.2); short protein forms F648S, F625S.
Identifiers: ClinVar variation 967119 (VCV000967119.16), dbSNP rs138125299, ClinGen allele CA859322.